The following is an entry in ClinVar:

ClinVar aggregate classification (germline): Conflicting classifications of pathogenicity. Review status: criteria provided, conflicting classifications (1 of 4 stars). 2 submissions from 2 submitters: Uncertain significance (1); Likely benign (1). Last evaluated 2024-09-08.

Conditions:
Hereditary cancer-predisposing syndrome. Also called: Hereditary neoplastic syndrome; Neoplastic Syndromes, Hereditary; Tumor predisposition; Hereditary Cancer Syndrome. Identifiers: Orphanet 140162, MedGen C0027672, MeSH D009386, MONDO:0015356.
Microcephaly, normal intelligence and immunodeficiency (NBS). Also called: IMMUNODEFICIENCY, MICROCEPHALY, AND CHROMOSOMAL INSTABILITY; SEEMANOVA SYNDROME II; Nijmegen breakage syndrome; Microcephaly with normal intelligence immunodeficiency and lymphoreticular malignancies; Nonsyndromal microcephaly autosomal recessive with normal intelligence; Seemanova syndrome 2. Identifiers: Orphanet 647, MedGen C0398791, MONDO:0009623, OMIM 251260.

Submissions (2):

Ambry Genetics
Classification: Likely benign for Hereditary cancer-predisposing syndrome. Last evaluated: 2024-09-08. Review status: criteria provided, single submitter. Criteria: Ambry Variant Classification Scheme 2023. Collection method: clinical testing. Allele origin: germline.

Labcorp Genetics (formerly Invitae), Labcorp
Classification: Uncertain significance for Microcephaly, normal intelligence and immunodeficiency. Last evaluated: 2021-03-18. Review status: criteria provided, single submitter. Criteria: Invitae Variant Classification Sherloc (09022015). Collection method: clinical testing. Allele origin: germline.
Comment: In summary, this variant is a novel missense change that is not predicted to affect protein function. There is no indication that it causes disease, but the available evidence is currently insufficient to prove that conclusively. Therefore, it has been classified as a Variant of Uncertain Significance. Algorithms developed to predict the effect of missense changes on protein structure and function output the following: (SIFT: "Tolerated"; PolyPhen-2: "Benign"; Align-GVGD: "Class C0"). The threonine amino acid residue is found in multiple mammalian species, suggesting that this missense change does not adversely affect protein function. These predictions have not been confirmed by published functional studies. This variant is not present in population databases (ExAC no frequency) and has not been reported in the literature in individuals with a NBN-related disease. This sequence change replaces alanine with threonine at codon 634 of the NBN protein (p.Ala634Thr). The alanine residue is weakly conserved and there is a small physicochemical difference between alanine and threonine.

NM_002485.5(NBN):c.1900G>A (p.Ala634Thr)

Genes: NBN (nibrin; minus strand), LOC126860438 (MED14-independent group 3 enhancer GRCh37_chr8:90959982-90961181; plus strand). Cytogenetic location: 8q21.3.
Variant type: single nucleotide variant.
Coding change: c.1900G>A on transcript NM_002485.5 (MANE Select); coding-DNA position 1900, G replaced by A.
Protein change: p.Ala634Thr; replaces alanine 634 with threonine.
Molecular consequence: missense variant.
Genome position (GRCh38, 1-based): chr8:89,947,838, C>T on the plus strand (G>A on the coding strand, the complement: NBN is on the minus strand). VCF-style: chr8-89947838-C-T. GRCh37 (hg19) VCF-style: chr8-90960066-C-T.
Other names: c.1654G>A, p.Ala552Thr (NM_001024688.3); short protein forms A634T, A552T.
Identifiers: ClinVar variation 461526 (VCV000461526.10), dbSNP rs1554556892, ClinGen allele CA371677210.